The following is an entry in ClinVar:

ClinVar aggregate classification (germline): Uncertain significance (1 of 4 stars; one submission).

Conditions:
Progressive microcephaly-seizures-cortical blindness-developmental delay syndrome. Also called: Seizures, cortical blindness, and microcephaly syndrome. Identifiers: Orphanet 477814, MedGen C5567650, MONDO:0014714, OMIM 616632.
Autosomal dominant nonsyndromic hearing loss 1. Also called: DEAFNESS, AUTOSOMAL DOMINANT 1, WITH OR WITHOUT THROMBOCYTOPENIA; KONIGSMARK SYNDROME. Identifiers: Orphanet 90635, MedGen C1852282, MONDO:0007424, OMIM 124900.

Submission:

Labcorp Genetics (formerly Invitae), Labcorp
Classification: Uncertain significance for Progressive microcephaly-seizures-cortical blindness-developmental delay syndrome; Autosomal dominant nonsyndromic hearing loss 1. Last evaluated: 2023-08-30. Review status: criteria provided, single submitter. Criteria: Invitae Variant Classification Sherloc (09022015). Collection method: clinical testing. Allele origin: germline.
Comment: Experimental studies and prediction algorithms are not available or were not evaluated, and the functional significance of this variant is currently unknown. In summary, the available evidence is currently insufficient to determine the role of this variant in disease. Therefore, it has been classified as a Variant of Uncertain Significance. ClinVar contains an entry for this variant (Variation ID: 1929351). This variant has not been reported in the literature in individuals affected with DIAPH1-related conditions. This variant is not present in population databases (gnomAD no frequency). This sequence change replaces leucine, which is neutral and non-polar, with phenylalanine, which is neutral and non-polar, at codon 544 of the DIAPH1 protein (p.Leu544Phe).

NM_005219.5(DIAPH1):c.1630C>T (p.Leu544Phe)

Gene: DIAPH1 (diaphanous related formin 1; minus strand). Cytogenetic location: 5q31.3.
Variant type: single nucleotide variant.
Coding change: c.1630C>T on transcript NM_005219.5 (MANE Select); coding-DNA position 1630, C replaced by T.
Protein change: p.Leu544Phe; replaces leucine 544 with phenylalanine.
Molecular consequence: missense variant.
Genome position (GRCh38, 1-based): chr5:141,574,978, G>A on the plus strand (C>T on the coding strand, the complement: DIAPH1 is on the minus strand). VCF-style: chr5-141574978-G-A. GRCh37 (hg19) VCF-style: chr5-140954545-G-A.
Other names: c.1603C>T, p.Leu535Phe (NM_001079812.3); c.1630C>T, p.Leu544Phe (NM_001314007.2); short protein forms L535F, L544F.
Identifiers: ClinVar variation 1929351 (VCV001929351.5), dbSNP rs2513745507, ClinGen allele CA361522966.